The following is an entry in ClinVar:

NM_004281.4(BAG3):c.889A>G (p.Thr297Ala)

Gene: BAG3 (BAG cochaperone 3; plus strand). Cytogenetic location: 10q26.11.
Variant type: single nucleotide variant.
Coding change: c.889A>G on transcript NM_004281.4 (MANE Select); coding-DNA position 889, A replaced by G.
Protein change: p.Thr297Ala; replaces threonine 297 with alanine.
Molecular consequence: missense variant.
Genome position (GRCh38, 1-based): chr10:119,672,636, A>G. VCF-style: chr10-119672636-A-G. GRCh37 (hg19) VCF-style: chr10-121432148-A-G.
Other names: p.T297A:ACC>GCC; short protein forms T297A.
Identifiers: ClinVar variation 201682 (VCV000201682.7), dbSNP rs794728979, ClinGen allele CA308233.
Genomic context (GRCh38, chr10:119,672,636, plus strand): 5'-GAGGGCTCACCAGCCAGGAGCAGCACGCCACTCCACTCCCCCTCGCCCATCCGTGTGCAC[A>G]CCGTGGTCGACAGGCCTCAGGTACGGGAAGTTAGTCGTCAGCAGACTGGTTATGGTGGTA-3'
Protein context (NP_004272.2, residues 287-307): LHSPSPIRVH[Thr297Ala]VVDRPQQPMT

ClinVar aggregate classification (germline): Uncertain significance. Review status: criteria provided, multiple submitters, no conflicts (2 of 4 stars). 2 submissions from 2 submitters: Uncertain significance (2). Last evaluated 2025-12-20.

Conditions:
Dilated cardiomyopathy 1HH (CMD1HH). Identifiers: Orphanet 154, MedGen C3151293, MONDO:0013479, OMIM 613881.
Myofibrillar myopathy 6. Identifiers: Orphanet 199340, MedGen C2751831, MONDO:0013061, OMIM 612954.

Submissions (2):

Labcorp Genetics (formerly Invitae), Labcorp
Classification: Uncertain significance for Dilated cardiomyopathy 1HH; Myofibrillar myopathy 6. Last evaluated: 2025-12-20. Review status: criteria provided, single submitter. Criteria: Invitae Variant Classification Sherloc (09022015). Collection method: clinical testing. Allele origin: germline.
Comment: This sequence change replaces threonine, which is neutral and polar, with alanine, which is neutral and non-polar, at codon 297 of the BAG3 protein (p.Thr297Ala). This variant is not present in population databases (gnomAD no frequency). This variant has not been reported in the literature in individuals affected with BAG3-related conditions. ClinVar contains an entry for this variant (Variation ID: 201682). Invitae Evidence Modeling of protein sequence and biophysical properties (such as structural, functional, and spatial information, amino acid conservation, physicochemical variation, residue mobility, and thermodynamic stability) indicates that this missense variant is not expected to disrupt BAG3 protein function with a negative predictive value of 80%. In summary, the available evidence is currently insufficient to determine the role of this variant in disease. Therefore, it has been classified as a Variant of Uncertain Significance.

GeneDx
Classification: Uncertain significance. Last evaluated: 2022-08-24. Review status: criteria provided, single submitter. Criteria: GeneDx Variant Classification Process June 2021. Collection method: clinical testing. Allele origin: germline. Affected: yes.
Comment: Has not been previously published as pathogenic or benign to our knowledge; Not observed at significant frequency in large population cohorts (gnomAD); In silico analysis supports that this missense variant does not alter protein structure/function